The following is an entry in ClinVar:

ClinVar aggregate classification (germline): Uncertain significance (1 of 4 stars; one submission).

Conditions:
Fanconi anemia (FA). Also called: Fanconi's anemia. Identifiers: Orphanet 84, MedGen C0015625, MeSH D005199, MONDO:0019391.

Submission:

Labcorp Genetics (formerly Invitae), Labcorp
Classification: Uncertain significance for Fanconi anemia. Last evaluated: 2025-12-23. Review status: criteria provided, single submitter. Criteria: Invitae Variant Classification Sherloc (09022015). Collection method: clinical testing. Allele origin: germline.
Comment: This sequence change replaces methionine, which is neutral and non-polar, with leucine, which is neutral and non-polar, at codon 1136 of the FANCI protein (p.Met1136Leu). This variant is not present in population databases (gnomAD no frequency). This variant has not been reported in the literature in individuals affected with FANCI-related conditions. Invitae Evidence Modeling of protein sequence and biophysical properties (such as structural, functional, and spatial information, amino acid conservation, physicochemical variation, residue mobility, and thermodynamic stability) indicates that this missense variant is not expected to disrupt FANCI protein function with a negative predictive value of 80%. In summary, the available evidence is currently insufficient to determine the role of this variant in disease. Therefore, it has been classified as a Variant of Uncertain Significance.

NM_001113378.2(FANCI):c.3406A>T (p.Met1136Leu)

Gene: FANCI (FA complementation group I; plus strand). Cytogenetic location: 15q26.1.
Variant type: single nucleotide variant.
Coding change: c.3406A>T on transcript NM_001113378.2 (MANE Select); coding-DNA position 3406, A replaced by T.
Protein change: p.Met1136Leu; replaces methionine 1136 with leucine.
Molecular consequence: missense variant.
Genome position (GRCh38, 1-based): chr15:89,306,063, A>T. VCF-style: chr15-89306063-A-T. GRCh37 (hg19) VCF-style: chr15-89849294-A-T.
Other names: c.3406A>T, p.Met1136Leu (NM_001376911.1); c.3226A>T, p.Met1076Leu (NM_018193.3); c.3127A>T, p.Met1043Leu (NM_001376910.1); short protein forms M1043L, M1076L, M1136L.
Identifiers: ClinVar variation 4779028 (VCV004779028.1).